The following is an entry in ClinVar:

ClinVar aggregate classification (germline): Conflicting classifications of pathogenicity. Review status: criteria provided, conflicting classifications (1 of 4 stars). 3 submissions from 3 submitters: Uncertain significance (1); Likely benign (2). Last evaluated 2024-12-23.

Conditions:
Hereditary cancer-predisposing syndrome. Also called: Neoplastic Syndromes, Hereditary; Tumor predisposition; Hereditary Cancer Syndrome; Hereditary neoplastic syndrome. Identifiers: Orphanet 140162, MedGen C0027672, MeSH D009386, MONDO:0015356.
Hereditary breast ovarian cancer syndrome. Also called: Breast and ovarian cancer; Hereditary breast and ovarian cancer; Hereditary breast and/or ovarian cancer syndrome; BRCA1- and BRCA2-Associated Hereditary Breast and Ovarian Cancer; Hereditary breast and ovarian cancer syndrome; Hereditary breast and ovarian cancer syndrome (HBOC). Identifiers: Orphanet 145, MedGen C0677776, MeSH D061325, MONDO:0003582. Disease mechanism: loss of function.

Submissions (3):

Ambry Genetics
Classification: Likely benign for Hereditary cancer-predisposing syndrome. Last evaluated: 2024-12-23. Review status: criteria provided, single submitter. Criteria: Ambry Variant Classification Scheme 2023. Collection method: clinical testing. Allele origin: germline.

Labcorp Genetics (formerly Invitae), Labcorp
Classification: Uncertain significance for Hereditary breast ovarian cancer syndrome. Last evaluated: 2023-12-27. Review status: criteria provided, single submitter. Criteria: Invitae Variant Classification Sherloc (09022015). Collection method: clinical testing. Allele origin: germline.
Comment: This sequence change replaces lysine, which is basic and polar, with glutamine, which is neutral and polar, at codon 817 of the BRCA2 protein (p.Lys817Gln). This variant is not present in population databases (gnomAD no frequency). This variant has not been reported in the literature in individuals affected with BRCA2-related conditions. ClinVar contains an entry for this variant (Variation ID: 141959). Advanced modeling of protein sequence and biophysical properties (such as structural, functional, and spatial information, amino acid conservation, physicochemical variation, residue mobility, and thermodynamic stability) performed at Invitae indicates that this missense variant is not expected to disrupt BRCA2 protein function with a negative predictive value of 95%. In summary, the available evidence is currently insufficient to determine the role of this variant in disease. Therefore, it has been classified as a Variant of Uncertain Significance.

University of Washington Department of Laboratory Medicine, University of Washington
Classification: Likely benign for Hereditary cancer-predisposing syndrome. Last evaluated: 2023-03-23. Review status: criteria provided, single submitter. Criteria: Dines et al. (Genet Med. 2020). Collection method: curation. Allele origin: germline.
Comment: Missense variant in a coldspot region where missense variants are very unlikely to be pathogenic (PMID:31911673).

BRCA2 exon 11 coldspot. Reclassification based on statistical prior probability.

NM_000059.4(BRCA2):c.2449A>C (p.Lys817Gln)

Gene: BRCA2 (BRCA2 DNA repair associated; plus strand). Cytogenetic location: 13q13.1.
Variant type: single nucleotide variant.
Coding change: c.2449A>C on transcript NM_000059.4 (MANE Select); coding-DNA position 2449, A replaced by C.
Protein change: p.Lys817Gln; replaces lysine 817 with glutamine.
Molecular consequence: missense variant.
Genome position (GRCh38, 1-based): chr13:32,336,804, A>C. VCF-style: chr13-32336804-A-C. GRCh37 (hg19) VCF-style: chr13-32910941-A-C.
Other names: short protein forms K817Q.
Identifiers: ClinVar variation 141959 (VCV000141959.9), dbSNP rs587782142, ClinGen allele CA015318.